The following is an entry in ClinVar:

NM_000264.5(PTCH1):c.736G>A (p.Ala246Thr)

Gene: PTCH1 (patched 1; minus strand). Cytogenetic location: 9q22.32.
Variant type: single nucleotide variant.
Coding change: c.736G>A on transcript NM_000264.5 (MANE Select); coding-DNA position 736, G replaced by A.
Protein change: p.Ala246Thr; replaces alanine 246 with threonine.
Molecular consequence: missense variant. On other transcripts: non-coding transcript variant (1).
Genome position (GRCh38, 1-based): chr9:95,481,959, C>T on the plus strand (G>A on the coding strand, the complement: PTCH1 is on the minus strand). VCF-style: chr9-95481959-C-T. GRCh37 (hg19) VCF-style: chr9-98244241-C-T.
Other names: c.538G>A, p.Ala180Thr (NM_001083602.3, NM_001354919.2); c.733G>A, p.Ala245Thr (NM_001083603.3); c.283G>A, p.Ala95Thr (NM_001083604.3, NM_001083605.3, NM_001083606.3 and 1 more transcripts); c.736G>A, p.Ala246Thr (NM_001354918.2); short protein forms A180T, A246T, A245T, A95T.
Identifiers: ClinVar variation 4781500 (VCV004781500.1).

ClinVar aggregate classification (germline): Uncertain significance (1 of 4 stars; one submission).

Conditions:
Gorlin syndrome. Also called: Nevoid Basal Cell Carcinoma Syndrome; Basal cell nevus syndrome. Identifiers: Orphanet 377, MedGen C0004779, MONDO:0007187.

gnomAD v4.1: 2 of 1,610,600 alleles (0.00012%); highest among the groups gnomAD compares: Admixed American, 0.0017%; no homozygotes.

Submission:

Labcorp Genetics (formerly Invitae), Labcorp
Classification: Uncertain significance for Gorlin syndrome. Last evaluated: 2025-11-10. Review status: criteria provided, single submitter. Criteria: Invitae Variant Classification Sherloc (09022015). Collection method: clinical testing. Allele origin: germline.
Comment: This sequence change replaces alanine, which is neutral and non-polar, with threonine, which is neutral and polar, at codon 246 of the PTCH1 protein (p.Ala246Thr). This variant is not present in population databases (gnomAD no frequency). This variant has not been reported in the literature in individuals affected with PTCH1-related conditions. Invitae Evidence Modeling of protein sequence and biophysical properties (such as structural, functional, and spatial information, amino acid conservation, physicochemical variation, residue mobility, and thermodynamic stability) has been performed for this missense variant. However, the output from this modeling did not meet the statistical confidence thresholds required to predict the impact of this variant on PTCH1 protein function. In summary, the available evidence is currently insufficient to determine the role of this variant in disease. Therefore, it has been classified as a Variant of Uncertain Significance.